The following is an entry in ClinVar:

ClinVar aggregate classification (germline): Uncertain significance (1 of 4 stars; one submission).

Submission:

Dasa
Classification: Uncertain significance. Last evaluated: 2025-08-07. Review status: criteria provided, single submitter. Criteria: DASA Assertion Criteria. Collection method: clinical testing. Allele origin: germline.
Comment: NM_014847.4(UBAP2L):c.179T>C (p.Ile60Thr) is a missense variant that results in the substitution of isoleucine with threonine. This variant is absent from population databases. The currently available literature and clinical evidence are not sufficient to establish a definitive association between this variant and the reported condition. Therefore, this variant is classified as a variant of uncertain significance.

NM_014847.4(UBAP2L):c.179T>C (p.Ile60Thr)

Gene: UBAP2L (ubiquitin associated protein 2 like; plus strand). Cytogenetic location: 1q21.3.
Variant type: single nucleotide variant.
Coding change: c.179T>C on transcript NM_014847.4 (MANE Select); coding-DNA position 179, T replaced by C.
Protein change: p.Ile60Thr; replaces isoleucine 60 with threonine.
Molecular consequence: missense variant.
Genome position (GRCh38, 1-based): chr1:154,228,625, T>C. VCF-style: chr1-154228625-T-C. GRCh37 (hg19) VCF-style: chr1-154201101-T-C.
Other names: c.179T>C, p.Ile60Thr (NM_001375625.1, NM_001375626.1, NM_001375627.1 and 20 more transcripts); short protein forms I60T.
Identifiers: ClinVar variation 4885156 (VCV004885156.2).
Genomic context (GRCh38, chr1:154,228,625, plus strand): 5'-GAGTGTGAGCATAAGCCTGTTCATGATGGTTGCTGTTTTTTCTCTTTCAGTTGATTGATA[T>C]TACAGGCAAGAACCAGGATGAATGTGTGATTGCTTTGCATGACTGCAATGGAGATGTCAA-3'
Protein context (NP_055662.3, residues 50-70): FEEKVKQLID[Ile60Thr]TGKNQDECVI